The following is an entry in ClinVar:

ClinVar aggregate classification (germline): Benign/Likely benign. Review status: criteria provided, multiple submitters, no conflicts (2 of 4 stars). 6 submissions from 6 submitters: Benign (1); Likely benign (5). Last evaluated 2025-12-16.

Conditions:
Hereditary cancer-predisposing syndrome. Also called: Neoplastic Syndromes, Hereditary; Hereditary Cancer Syndrome; Tumor predisposition; Hereditary neoplastic syndrome. Identifiers: Orphanet 140162, MedGen C0027672, MeSH D009386, MONDO:0015356.
Ataxia-telangiectasia syndrome (AT). Also called: LOUIS-BAR SYNDROME; Cerebello-oculocutaneous telangiectasia; Immunodeficiency with ataxia telangiectasia; Ataxia-telangiectasia, complementation group D; AT, COMPLEMENTATION GROUP C; Ataxia-telangiectasia, complementation group E. Identifiers: Orphanet 100, MedGen C0004135, MONDO:0008840, OMIM 208900.
Familial cancer of breast. Also called: Hereditary breast cancer; BREAST CANCER, FAMILIAL; hereditary breast carcinoma. Identifiers: Orphanet 227535, MedGen C0346153, MONDO:0016419, OMIM 114480. Disease mechanism: loss of function.

Allele frequency attached by ClinVar (database versions not stated): TOPMed 0.00001; gnomAD exomes 0.00002 and 0.00001; gnomAD 0.00001; ExAC 0.00002.
gnomAD v4.1: 5 of 1,611,834 alleles (0.00031%); highest among the groups gnomAD compares: East Asian, 0.011%; no homozygotes.

Submissions (6):

Labcorp Genetics (formerly Invitae), Labcorp
Classification: Likely benign for Ataxia-telangiectasia syndrome. Last evaluated: 2025-12-16. Review status: criteria provided, single submitter. Criteria: Invitae Variant Classification Sherloc (09022015). Collection method: clinical testing. Allele origin: germline.

Myriad Genetics, Inc.
Classification: Benign for Familial cancer of breast. Last evaluated: 2024-06-18. Review status: criteria provided, single submitter. Criteria: Myriad Autosomal Dominant, Autosomal Recessive and X-Linked Classification Criteria (2023). Collection method: clinical testing. Allele origin: unknown.
Comment: This variant is considered benign. This variant is a silent/synonymous amino acid change and it is not expected to impact splicing.

Blueprint Genetics
Classification: Likely benign. Last evaluated: 2024-01-03. Review status: criteria provided, single submitter. Criteria: ACMG Guidelines, 2015. Collection method: clinical testing. Allele origin: germline.

Ambry Genetics
Classification: Likely benign for Hereditary cancer-predisposing syndrome. Last evaluated: 2019-09-15. Review status: criteria provided, single submitter. Criteria: Ambry Variant Classification Scheme 2023. Collection method: clinical testing. Allele origin: germline.

GeneDx
Classification: Likely benign. Last evaluated: 2019-07-24. Review status: criteria provided, single submitter. Criteria: GeneDx Variant Classification Process June 2021. Collection method: clinical testing. Allele origin: germline. Affected: yes.

Color Diagnostics, LLC DBA Color Health
Classification: Likely benign for Hereditary cancer-predisposing syndrome. Last evaluated: 2015-10-20. Review status: criteria provided, single submitter. Criteria: ACMG Guidelines, 2015. Collection method: clinical testing. Allele origin: germline.

NM_000051.4(ATM):c.7974T>C (p.Asn2658=)

Genes: ATM (ATM serine/threonine kinase; plus strand), C11orf65 (chromosome 11 open reading frame 65; minus strand). Cytogenetic location: 11q22.3.
Variant type: single nucleotide variant.
Coding change: c.7974T>C on transcript NM_000051.4 (MANE Select); coding-DNA position 7974, T replaced by C.
Protein change: p.Asn2658=; no amino-acid change (asparagine 2658 retained).
Molecular consequence: synonymous variant. On other transcripts: intron variant (2).
Genome position (GRCh38, 1-based): chr11:108,333,932, T>C. VCF-style: chr11-108333932-T-C. GRCh37 (hg19) VCF-style: chr11-108204659-T-C.
Other names: c.7974T>C, p.Asn2658= (NM_001351834.2); c.641-24861A>G (NM_001330368.2); c.*38+1288A>G (NM_001351110.2).
Identifiers: ClinVar variation 414583 (VCV000414583.21), dbSNP rs777548685, ClinGen allele CA6266231.